The following is an entry in ClinVar:

NM_017877.4(SLC35F6):c.39C>T (p.Leu13=)

Genes: SLC35F6 (solute carrier family 35 member F6; plus strand), LOC129933338 (ATAC-STARR-seq lymphoblastoid silent region 11276; plus strand). Cytogenetic location: 2p23.3.
Variant type: single nucleotide variant.
Coding change: c.39C>T on transcript NM_017877.4 (MANE Select); coding-DNA position 39, C replaced by T.
Protein change: p.Leu13=; no amino-acid change (leucine 13 retained).
Molecular consequence: synonymous variant.
Genome position (GRCh38, 1-based): chr2:26,764,388, C>T. VCF-style: chr2-26764388-C-T. GRCh37 (hg19) VCF-style: chr2-26987256-C-T.
Identifiers: ClinVar variation 2650751 (VCV002650751.24), dbSNP rs142072865, ClinGen allele CA1565636.

ClinVar aggregate classification (germline): Likely benign (1 of 4 stars; one submission).

Allele frequency attached by ClinVar (database versions not stated): 1000 Genomes Project 30x 0.00031; 1000 Genomes Project 0.00060; ESP Exome Variant Server 0.00206; gnomAD 0.00249; TOPMed 0.00255.
gnomAD v4.1: 4,033 of 1,551,110 alleles (0.26%); highest among the groups gnomAD compares: Non-Finnish European, 0.31%; 7 homozygotes.

Submission:

CeGaT Center for Human Genetics Tuebingen
Classification: Likely benign. Last evaluated: 2023-04-01. Review status: criteria provided, single submitter. Criteria: CeGaT Center For Human Genetics Tuebingen Variant Classification Criteria Version 2. Collection method: clinical testing. Allele origin: germline. Affected: yes. Observed: 1 variant allele.
Comment: SLC35F6: BP4, BP7